The following is an entry in ClinVar:

ClinVar aggregate classification (germline): Uncertain significance (1 of 4 stars; one submission).

gnomAD v4.1: 2 of 1,606,022 alleles (0.00012%); highest among the groups gnomAD compares: Non-Finnish European, 0.000085%; no homozygotes.

Submission:

Labcorp Genetics (formerly Invitae), Labcorp
Classification: Uncertain significance. Last evaluated: 2021-06-20. Review status: criteria provided, single submitter. Criteria: Invitae Variant Classification Sherloc (09022015). Collection method: clinical testing. Allele origin: germline.
Comment: This sequence change replaces aspartic acid with histidine at codon 228 of the COL18A1 protein (p.Asp228His). There is a moderate physicochemical difference between aspartic acid and histidine. This variant is not present in population databases (ExAC no frequency). This variant has not been reported in the literature in individuals with COL18A1-related conditions. Experimental studies and prediction algorithms are not available or were not evaluated, and the functional significance of this variant is currently unknown. In summary, the available evidence is currently insufficient to determine the role of this variant in disease. Therefore, it has been classified as a Variant of Uncertain Significance.

NM_001379500.1(COL18A1):c.682G>C (p.Asp228His)

Gene: COL18A1 (collagen type XVIII alpha 1 chain; plus strand). Cytogenetic location: 21q22.3.
Variant type: single nucleotide variant.
Coding change: c.682G>C on transcript NM_001379500.1 (MANE Select); coding-DNA position 682, G replaced by C.
Protein change: p.Asp228His; replaces aspartic acid 228 with histidine.
Molecular consequence: missense variant.
Genome position (GRCh38, 1-based): chr21:45,473,925, G>C. VCF-style: chr21-45473925-G-C. GRCh37 (hg19) VCF-style: chr21-46893839-G-C.
Other names: c.1222G>C, p.Asp408His (NM_030582.4); c.1927G>C, p.Asp643His (NM_130444.3); short protein forms D643H, D408H, D228H.
Identifiers: ClinVar variation 1362763 (VCV001362763.3), dbSNP rs780058672, ClinGen allele CA410512992.